The following is an entry in ClinVar:

ClinVar aggregate classification (germline): Pathogenic (1 of 4 stars; one submission).

Conditions:
Pulmonary hypertension, primary, 2. Identifiers: Orphanet 422, MedGen C3888002, MONDO:0014134, OMIM 615342.

Submission:

Labcorp Genetics (formerly Invitae), Labcorp
Classification: Pathogenic for Pulmonary hypertension, primary, 2. Last evaluated: 2024-09-19. Review status: criteria provided, single submitter. Criteria: Invitae Variant Classification Sherloc (09022015). Collection method: clinical testing. Allele origin: germline.
Comment: This sequence change creates a premature translational stop signal (p.Trp33*) in the SMAD9 gene. It is expected to result in an absent or disrupted protein product. Loss-of-function variants in SMAD9 are known to be pathogenic (PMID: 19419974, 31727138). This variant is not present in population databases (gnomAD no frequency). This variant has not been reported in the literature in individuals affected with SMAD9-related conditions. For these reasons, this variant has been classified as Pathogenic.

Literature cited by the submitters: PubMed 19419974; PubMed 31727138.

NM_001127217.3(SMAD9):c.98G>A (p.Trp33Ter)

Gene: SMAD9 (SMAD family member 9; minus strand). Cytogenetic location: 13q13.3.
Variant type: single nucleotide variant.
Coding change: c.98G>A on transcript NM_001127217.3 (MANE Select); coding-DNA position 98, G replaced by A.
Protein change: p.Trp33Ter; replaces tryptophan 33 with a stop codon.
Molecular consequence: nonsense.
Genome position (GRCh38, 1-based): chr13:36,879,592, C>T on the plus strand (G>A on the coding strand, the complement: SMAD9 is on the minus strand). VCF-style: chr13-36879592-C-T. GRCh37 (hg19) VCF-style: chr13-37453729-C-T.
Other names: c.98G>A, p.Trp33Ter (NM_001378621.1, NM_005905.6); short protein forms W33*.
Identifiers: ClinVar variation 3649577 (VCV003649577.2).